The following is an entry in ClinVar:

NM_000334.4(SCN4A):c.4017+5A>G

Genes: SCN4A (sodium voltage-gated channel alpha subunit 4; minus strand), GH-LCR (growth hormone locus control region; plus strand). Cytogenetic location: 17q23.3.
Variant type: single nucleotide variant.
Coding change: c.4017+5A>G on transcript NM_000334.4 (MANE Select); 5 bases into the intron after coding-DNA position 4017, A replaced by G.
Molecular consequence: intron variant.
Genome position (GRCh38, 1-based): chr17:63,943,741, T>C on the plus strand (A>G on the coding strand, the complement: SCN4A is on the minus strand). VCF-style: chr17-63943741-T-C. GRCh37 (hg19) VCF-style: chr17-62021101-T-C.
Identifiers: ClinVar variation 2111912 (VCV002111912.4), dbSNP rs2509287868, ClinGen allele CA2580094719.

ClinVar aggregate classification (germline): Uncertain significance (1 of 4 stars; one submission).

Conditions:
Hyperkalemic periodic paralysis. Also called: Familial hyperkalemic periodic paralysis; Gamstorp disease. Identifiers: Orphanet 682, MedGen C0238357, MONDO:0008224, OMIM 170500, HP:0007215.

Submission:

Labcorp Genetics (formerly Invitae), Labcorp
Classification: Uncertain significance for Hyperkalemic periodic paralysis. Last evaluated: 2022-04-04. Review status: criteria provided, single submitter. Criteria: Invitae Variant Classification Sherloc (09022015). Collection method: clinical testing. Allele origin: germline.
Comment: This variant is not present in population databases (gnomAD no frequency). This sequence change falls in intron 22 of the SCN4A gene. It does not directly change the encoded amino acid sequence of the SCN4A protein. It affects a nucleotide within the consensus splice site. This variant has not been reported in the literature in individuals affected with SCN4A-related conditions. Variants that disrupt the consensus splice site are a relatively common cause of aberrant splicing (PMID: 17576681, 9536098). Algorithms developed to predict the effect of sequence changes on RNA splicing suggest that this variant is not likely to affect RNA splicing. In summary, the available evidence is currently insufficient to determine the role of this variant in disease. Therefore, it has been classified as a Variant of Uncertain Significance.

Literature cited by the submitters: PubMed 17576681; PubMed 9536098.